The following is an entry in ClinVar:

ClinVar aggregate classification (germline): Uncertain significance (1 of 4 stars; one submission).

Submission:

Ambry Genetics
Classification: Uncertain significance. Last evaluated: 2025-01-14. Review status: criteria provided, single submitter. Criteria: Ambry Variant Classification Scheme 2023. Collection method: clinical testing. Allele origin: germline.
Comment: The p.P732R variant (also known as c.2195C>G), located in coding exon 10 of the WNK2 gene, results from a C to G substitution at nucleotide position 2195. The proline at codon 732 is replaced by arginine, an amino acid with dissimilar properties. This amino acid position is conserved. In addition, this alteration is predicted to be tolerated by in silico analysis. Based on the available evidence, the clinical significance of this variant remains unclear.

NM_006648.4(WNK2):c.2195C>G (p.Pro732Arg)

Gene: WNK2 (WNK lysine deficient protein kinase 2; plus strand). Cytogenetic location: 9q22.31.
Variant type: single nucleotide variant.
Coding change: c.2195C>G on transcript NM_006648.4 (MANE Select); coding-DNA position 2195, C replaced by G.
Protein change: p.Pro732Arg; replaces proline 732 with arginine.
Molecular consequence: missense variant.
Genome position (GRCh38, 1-based): chr9:93,256,952, C>G. VCF-style: chr9-93256952-C-G. GRCh37 (hg19) VCF-style: chr9-96019234-C-G.
Other names: c.2195C>G, p.Pro732Arg (NM_001282394.3); short protein forms P732R.
Identifiers: ClinVar variation 3816842 (VCV003816842.1).